The following is an entry in ClinVar:

NM_032242.4(PLXNA1):c.65C>T (p.Pro22Leu)

Gene: PLXNA1 (plexin A1; plus strand). Cytogenetic location: 3q21.3.
Variant type: single nucleotide variant.
Coding change: c.65C>T on transcript NM_032242.4 (MANE Select); coding-DNA position 65, C replaced by T.
Protein change: p.Pro22Leu; replaces proline 22 with leucine.
Molecular consequence: missense variant.
Genome position (GRCh38, 1-based): chr3:126,988,658, C>T. VCF-style: chr3-126988658-C-T. GRCh37 (hg19) VCF-style: chr3-126707501-C-T.
Other names: short protein forms P22L.
Identifiers: ClinVar variation 3036707 (VCV003036707.4), dbSNP rs1023386198, ClinGen allele CA83277838.
Genomic context (GRCh38, chr3:126,988,658, plus strand): 5'-CGCTGCCACCGCGGAGCCTGCAGGTGCTCCTGCTGCTGCTGCTGTTGCTGCTGCTGCTGC[C>T]GGGCATGTGGGCTGAGGCAGGCTTGCCCAGGGCAGGCGGGGGTTCACAGCCCCCCTTCCG-3'
Protein context (NP_115618.3, residues 12-32): LLLLLLLLLL[Pro22Leu]GMWAEAGLPR

ClinVar aggregate classification (germline): Conflicting classifications of pathogenicity. Review status: criteria provided, conflicting classifications (1 of 4 stars). 2 submissions from 2 submitters: Uncertain significance (1); Likely benign (1). Last evaluated 2026-07-29.

Conditions:
PLXNA1-related disorder. Also called: PLXNA1-related condition.

gnomAD v4.1: 19 of 1,578,488 alleles (0.0012%); highest among the groups gnomAD compares: African/African-American, 0.0027%; no homozygotes.

Submissions (2):

PreventionGenetics, part of Exact Sciences
Classification: Uncertain significance for PLXNA1-related condition. Last evaluated: 2026-07-29. Review status: criteria provided, single submitter. Criteria: ACMG Guidelines, 2015. Collection method: clinical testing. Allele origin: germline.
Comment: The PLXNA1 c.65C>T variant is predicted to result in the amino acid substitution p.Pro22Leu. To our knowledge, this variant has not been reported in the literature. This variant is reported in 0.0063% of alleles in individuals of Latino descent in gnomAD. At this time, the clinical significance of this variant is uncertain due to the absence of conclusive functional and genetic evidence.

Ambry Genetics
Classification: Likely benign. Last evaluated: 2024-12-03. Review status: criteria provided, single submitter. Criteria: Ambry Variant Classification Scheme 2023. Collection method: clinical testing. Allele origin: germline.